The following is an entry in ClinVar:

NM_006245.4(PPP2R5D):c.198C>A (p.Pro66=)

Gene: PPP2R5D (protein phosphatase 2 regulatory subunit B'delta; plus strand). Cytogenetic location: 6p21.1.
Variant type: single nucleotide variant.
Coding change: c.198C>A on transcript NM_006245.4 (MANE Select); coding-DNA position 198, C replaced by A.
Protein change: p.Pro66=; no amino-acid change (proline 66 retained).
Molecular consequence: synonymous variant. On other transcripts: 5 prime UTR variant (1), intron variant (1).
Genome position (GRCh38, 1-based): chr6:43,006,555, C>A. VCF-style: chr6-43006555-C-A. GRCh37 (hg19) VCF-style: chr6-42974293-C-A.
Other names: c.-256C>A (NM_001270476.2); c.198C>A, p.Pro66= (NM_180976.3); c.28-379C>A (NM_180977.3).
Identifiers: ClinVar variation 3613821 (VCV003613821.3).

ClinVar aggregate classification (germline): Likely benign. Review status: criteria provided, multiple submitters, no conflicts (2 of 4 stars). 2 submissions from 2 submitters: Likely benign (2). Last evaluated 2026-08-01.

gnomAD v4.1: 9 of 1,614,174 alleles (0.00056%); highest among the groups gnomAD compares: East Asian, 0.0022%; no homozygotes.

Submissions (2):

CeGaT Center for Human Genetics Tuebingen
Classification: Likely benign. Last evaluated: 2026-08-01. Review status: criteria provided, single submitter. Criteria: CeGaT Center For Human Genetics Tuebingen Variant Classification Criteria Version 2. Collection method: clinical testing. Allele origin: germline. Affected: yes. Observed: 1 variant allele.
Comment: PPP2R5D: BP4

Labcorp Genetics (formerly Invitae), Labcorp
Classification: Likely benign. Last evaluated: 2025-07-06. Review status: criteria provided, single submitter. Criteria: Invitae Variant Classification Sherloc (09022015). Collection method: clinical testing. Allele origin: germline.